The following is an entry in ClinVar:

NM_005909.5(MAP1B):c.742C>A (p.Pro248Thr)

Gene: MAP1B (microtubule associated protein 1B; plus strand). Cytogenetic location: 5q13.2.
Variant type: single nucleotide variant.
Coding change: c.742C>A on transcript NM_005909.5 (MANE Select); coding-DNA position 742, C replaced by A.
Protein change: p.Pro248Thr; replaces proline 248 with threonine.
Molecular consequence: missense variant.
Genome position (GRCh38, 1-based): chr5:72,194,097, C>A. VCF-style: chr5-72194097-C-A. GRCh37 (hg19) VCF-style: chr5-71489924-C-A.
Other names: c.364C>A, p.Pro122Thr (NM_001324255.2); short protein forms P122T, P248T.
Identifiers: ClinVar variation 1027647 (VCV001027647.3), dbSNP rs1747089370, ClinGen allele CA359994340.

ClinVar aggregate classification (germline): Uncertain significance (1 of 4 stars; one submission).

Conditions:
Periventricular nodular heterotopia 9. Identifiers: MedGen C5394503, MONDO:0030061, OMIM 618918.

Submission:

Breda Genetics srl
Classification: Uncertain significance for Periventricular nodular heterotopia 9. Last evaluated: 2020-10-30. Review status: criteria provided, single submitter. Criteria: ACMG Guidelines, 2015. Collection method: clinical testing. Allele origin: germline. Inheritance: Autosomal dominant inheritance. Affected: yes. Observed: 1 variant allele, 1 heterozygote.
Comment: The variant c.742C>A (p.Pro248Thr) in the MAP1B gene has not been reported in dbSNP, gnomAD, 1000 Genomes Project or ClinVar. The nucleotide position is highly conserved across 35 mammalian species (GERP RS: 6.08). In silico analysis indicates that the variant might be damaging. Of note, to date, no missense pathogenic variants have been reported in patients (Julca et al., 2019, PMID: 31317654; Heinzen et al., 2018, PMID: 29738522; Walters et al., 2018, PMID: 30150678). For this reason, based on ACMG variant interpretation guidelines we classify this variant as uncertain, but we cannot exclude that it is a rare benign variant.

Literature cited by the submitters: PubMed 31317654; PubMed 29738522; PubMed 30150678.